The following is an entry in ClinVar:

ClinVar aggregate classification (germline): Benign. Review status: criteria provided, multiple submitters, no conflicts (2 of 4 stars). 4 submissions from 4 submitters: Benign (3). 1 of the submissions does not count toward it. Last evaluated 2021-08-11.

Conditions:
Intellectual developmental disorder, autosomal dominant 33. Also called: Intellectual disability, autosomal dominant 33. Identifiers: MedGen C4225375, MONDO:0014580, OMIM 616311.
Ventricular fibrillation, paroxysmal familial, 2 (VF2). Identifiers: Orphanet 228140, MedGen C2751829, MONDO:0013063, OMIM 612956.
DPP6-related disorder. Also called: DPP6-related condition.

Allele frequency attached by ClinVar (database versions not stated): ESP Exome Variant Server 0.01880; TOPMed 0.02102; gnomAD exomes 0.00719 and 0.00297; gnomAD 0.02116 and 0.02015; ExAC 0.00859; 1000 Genomes Project 0.02177; 1000 Genomes Project 30x 0.02374.
gnomAD v4.1: 7,599 of 1,613,808 alleles (0.47%); highest among the groups gnomAD compares: African/African-American, 6.6%; 201 homozygotes.

Submissions (4):

Fulgent Genetics
Classification: Benign for Ventricular fibrillation, paroxysmal familial, 2; Intellectual developmental disorder, autosomal dominant 33. Last evaluated: 2021-08-11. Review status: criteria provided, single submitter. Criteria: ACMG Guidelines, 2015. Collection method: clinical testing. Allele origin: unknown.

GeneDx
Classification: Benign. Last evaluated: 2021-05-05. Review status: criteria provided, single submitter. Criteria: GeneDx Variant Classification Process June 2021. Collection method: clinical testing. Allele origin: germline. Affected: yes.

Breakthrough Genomics
Classification: Benign. Review status: criteria provided, single submitter. Criteria: ACMG Guidelines, 2015. Collection method: not provided. Allele origin: germline. Inheritance: Autosomal dominant inheritance. Affected: yes.

PreventionGenetics, part of Exact Sciences
Classification: Benign for DPP6-related condition. Last evaluated: 2019-03-04. Review status: no assertion criteria provided. Collection method: clinical testing. Allele origin: germline. Not counted in ClinVar's aggregate classification.
Comment: This variant is classified as benign based on ACMG/AMP sequence variant interpretation guidelines (Richards et al. 2015 PMID: 25741868, with internal and published modifications).

NM_130797.4(DPP6):c.813G>A (p.Gln271=)

Gene: DPP6 (dipeptidyl peptidase like 6; plus strand). Cytogenetic location: 7q36.2.
Variant type: single nucleotide variant.
Coding change: c.813G>A on transcript NM_130797.4 (MANE Select); coding-DNA position 813, G replaced by A.
Protein change: p.Gln271=; no amino-acid change (glutamine 271 retained).
Molecular consequence: synonymous variant. On other transcripts: non-coding transcript variant (2).
Genome position (GRCh38, 1-based): chr7:154,727,817, G>A. VCF-style: chr7-154727817-G-A. GRCh37 (hg19) VCF-style: chr7-154519527-G-A.
Other names: c.621G>A, p.Gln207= (NM_001039350.3, NM_001364501.2); c.492G>A, p.Gln164= (NM_001290252.2); c.630G>A, p.Gln210= (NM_001364497.2, NM_001364498.2, NM_001364499.2 and 1 more transcripts); c.627G>A, p.Gln209= (NM_001936.5).
Identifiers: ClinVar variation 1297169 (VCV001297169.6), dbSNP rs61736427, ClinGen allele CA4583302.